The following is an entry in ClinVar:

NM_001113491.2(SEPTIN9):c.*1720T>C

Gene: SEPTIN9 (septin 9; plus strand). Cytogenetic location: 17q25.3.
Variant type: single nucleotide variant.
Coding change: c.*1720T>C on transcript NM_001113491.2 (MANE Select); 1720 bases downstream of the stop codon, T replaced by C.
Molecular consequence: 3 prime UTR variant.
Genome position (GRCh38, 1-based): chr17:77,500,378, T>C. VCF-style: chr17-77500378-T-C. GRCh37 (hg19) VCF-style: chr17-75496460-T-C.
Other names: c.*1720T>C (NM_001113492.2, NM_001113493.2, NM_001113494.1 and 7 more transcripts).
Identifiers: ClinVar variation 325614 (VCV000325614.6), dbSNP rs445507, ClinGen allele CA10640780.

ClinVar aggregate classification (germline): Benign. Review status: criteria provided, multiple submitters, no conflicts (2 of 4 stars). 2 submissions from 2 submitters: Benign (2). Last evaluated 2017-04-27.

Conditions:
Amyotrophic neuralgia (HNA). Also called: AMYOTROPHY, HEREDITARY NEURALGIC; Hereditary Brachial Plexus Neuropathy; Neuritis with Brachial Predilection; AMYOTROPHY, HEREDITARY NEURALGIC, WITH PREDILECTION FOR BRACHIAL PLEXUS. Identifiers: Orphanet 2901, MedGen C1834304, MONDO:0008076, OMIM 162100.

Allele frequency attached by ClinVar (database versions not stated): 1000 Genomes Project 0.43211; 1000 Genomes Project 30x 0.44535; TOPMed 0.53285; gnomAD 0.54090 and 0.54935.
gnomAD v4.1: 94,619 of 173,378 alleles (55%); highest among the groups gnomAD compares: African/African-American, 72%; 25,993 homozygotes.

Submissions (2):

Illumina Laboratory Services, Illumina
Classification: Benign for Amyotrophy, hereditary neuralgic. Last evaluated: 2017-04-27. Review status: criteria provided, single submitter. Criteria: ICSL Variant Classification Criteria 13 December 2019. Collection method: clinical testing. Allele origin: germline.
Comment: This variant was observed as part of a predisposition screen in an ostensibly healthy population. A literature search was performed for the gene, cDNA change, and amino acid change (where applicable). No publications were found based on this search. Allele frequency data from public databases was too high to be consistent with this variant causing disease. Therefore, this variant is classified as benign.

Breakthrough Genomics
Classification: Benign. Review status: criteria provided, single submitter. Criteria: ACMG Guidelines, 2015. Collection method: not provided. Allele origin: germline. Inheritance: Autosomal dominant inheritance. Affected: yes.